The following is an entry in ClinVar:

ClinVar aggregate classification (germline): Pathogenic/Likely pathogenic. Review status: criteria provided, multiple submitters, no conflicts (2 of 4 stars). 3 submissions from 3 submitters: Pathogenic (1); Likely pathogenic (2). Last evaluated 2026-02-09.

Conditions:
Larsen-like syndrome, B3GAT3 type. Also called: MULTIPLE JOINT DISLOCATIONS, SHORT STATURE, AND CRANIOFACIAL DYSMORPHISM WITH OR WITHOUT CONGENITAL HEART DEFECTS; Multiple joint dislocations, short stature, craniofacial dysmorphism, with or without congenital heart defects. Identifiers: Orphanet 284139, MedGen CN034159, MONDO:0009511, OMIM 245600.

Allele frequency attached by ClinVar (database versions not stated): gnomAD exomes below 0.00001; TOPMed below 0.00001.

Submissions (3):

GeneDx
Classification: Likely pathogenic. Last evaluated: 2026-02-09. Review status: criteria provided, single submitter. Criteria: GeneDx Variant Classification Process June 2021. Collection method: clinical testing. Allele origin: germline.
Comment: Frameshift variant predicted to result in protein truncation or nonsense mediated decay in a gene for which loss of function is a known mechanism of disease; Not observed at significant frequency in large population cohorts (gnomAD); Has not been previously published as pathogenic or benign to our knowledge

Labcorp Genetics (formerly Invitae), Labcorp
Classification: Pathogenic for Larsen-like syndrome, B3GAT3 type. Last evaluated: 2026-01-20. Review status: criteria provided, single submitter. Criteria: Invitae Variant Classification Sherloc (09022015). Collection method: clinical testing. Allele origin: germline.
Comment: This sequence change creates a premature translational stop signal (p.Gly173Trpfs*22) in the B3GAT3 gene. It is expected to result in an absent or disrupted protein product. Loss-of-function variants in B3GAT3 are known to be pathogenic (PMID: 25893793, 27871226). This variant is not present in population databases (gnomAD no frequency). This variant has not been reported in the literature in individuals affected with B3GAT3-related conditions. ClinVar contains an entry for this variant (Variation ID: 1076368). For these reasons, this variant has been classified as Pathogenic.

Mayo Clinic Laboratories, Mayo Clinic
Classification: Likely pathogenic. Last evaluated: 2025-06-25. Review status: criteria provided, single submitter. Criteria: ACMG Guidelines, 2015. Collection method: clinical testing. Allele origin: germline. Observed: 1 variant allele.
Comment: PM2_supporting, PVS1

Literature cited by the submitters: PubMed 25893793 (cited by Labcorp Genetics (formerly Invitae), Labcorp); PubMed 27871226 (cited by Labcorp Genetics (formerly Invitae), Labcorp).

NM_012200.4(B3GAT3):c.516_517insT (p.Gly173fs)

Gene: B3GAT3 (beta-1,3-glucuronyltransferase 3; minus strand). Cytogenetic location: 11q12.3.
Variant type: Insertion.
Coding change: c.516_517insT on transcript NM_012200.4 (MANE Select); coding-DNA positions 516 to 517, T inserted.
Protein change: p.Gly173fs; shifts the reading frame from glycine 173.
Molecular consequence: frameshift variant. On other transcripts: non-coding transcript variant (1).
Genome position: GRCh38 VCF-style: chr11-62617088-C-CA. GRCh37 (hg19) VCF-style: chr11-62384560-C-CA.
Other names: p.Gly173Trpfs*22; c.495_496insT, p.Gly166fs (NM_001288721.2); c.516_517insT, p.Gly173fs (NM_001288722.2, NM_001288723.2); short protein forms G166fs, G173fs.
Identifiers: ClinVar variation 1076368 (VCV001076368.10), dbSNP rs1554968726, ClinGen allele CA918895631.
Genomic context (GRCh38, chr11:62,617,088, plus strand): 5'-CAAAGTAGACGACTCCTTGGGTCCCTGGTGGTGGTGGGTCCTTCTCCCCACCCACAGCAC[C>CA]CCCTCTGCCCCGGAGCCAGTCCAGGGCCTTGTTCCGCTGCTCGACACCACGGGGATGAAC-3'